The following is an entry in ClinVar:

NM_002449.5(MSX2):c.*157A>T

Gene: MSX2 (msh homeobox 2; plus strand). Cytogenetic location: 5q35.2.
Variant type: single nucleotide variant.
Coding change: c.*157A>T on transcript NM_002449.5 (MANE Select); 157 bases downstream of the stop codon, A replaced by T.
Molecular consequence: 3 prime UTR variant.
Genome position (GRCh38, 1-based): chr5:174,729,740, A>T. VCF-style: chr5-174729740-A-T. GRCh37 (hg19) VCF-style: chr5-174156743-A-T.
Other names: c.*585A>T (NM_001363626.2).
Identifiers: ClinVar variation 904120 (VCV000904120.4), dbSNP rs17063878, ClinGen allele CA132701482.

ClinVar aggregate classification (germline): Benign. Review status: criteria provided, single submitter (1 of 4 stars). 2 submissions from 1 submitter: Benign (2). Last evaluated 2018-01-13.

Conditions:
Parietal foramina 1 (PFM1). Also called: FORAMINA PARIETALIA PERMAGNA; PARIETAL FORAMINA, SYMMETRIC. Identifiers: Orphanet 60015, MedGen C1868599, MONDO:0008197, OMIM 168500.
Craniosynostosis 2 (CRS2). Also called: Warman-Mulliken-Hayward syndrome; Craniosynostosis Warman type; Craniosynostosis Boston type. Identifiers: Orphanet 1541, MedGen C1858160, MONDO:0011481, OMIM 604757.

Allele frequency attached by ClinVar (database versions not stated): TOPMed 0.00006; 1000 Genomes Project 30x 0.00031; 1000 Genomes Project 0.00040; gnomAD exomes 0.00045.

Submissions (2):

Illumina Laboratory Services, Illumina
Classification: Benign for Parietal foramina 1. Last evaluated: 2018-01-13. Review status: criteria provided, single submitter. Criteria: ICSL Variant Classification Criteria 13 December 2019. Collection method: clinical testing. Allele origin: germline.
Comment: This variant was observed in the ICSL laboratory as part of a predisposition screen in an ostensibly healthy population. It had not been previously curated by ICSL or reported in the Human Gene Mutation Database (HGMD: prior to June 1st, 2018), and was therefore a candidate for classification through an automated scoring system. Utilizing variant allele frequency, disease prevalence and penetrance estimates, and inheritance mode, an automated score was calculated to assess if this variant is too frequent to cause the disease. Based on the score and internal cut-off values, a variant classified as benign is not then subjected to further curation. The score for this variant resulted in a classification of benign for this disease.

Illumina Laboratory Services, Illumina
Classification: Benign for Craniosynostosis 2. Last evaluated: 2018-01-13. Review status: criteria provided, single submitter. Criteria: ICSL Variant Classification Criteria 13 December 2019. Collection method: clinical testing. Allele origin: germline.
Comment: the same text as in the submission from Illumina Laboratory Services, Illumina above.